The following is an entry in ClinVar:

NM_012330.4(KAT6B):c.2819C>G (p.Thr940Ser)

Gene: KAT6B (lysine acetyltransferase 6B; plus strand). Cytogenetic location: 10q22.2.
Variant type: single nucleotide variant.
Coding change: c.2819C>G on transcript NM_012330.4 (MANE Select); coding-DNA position 2819, C replaced by G.
Protein change: p.Thr940Ser; replaces threonine 940 with serine.
Molecular consequence: missense variant.
Genome position (GRCh38, 1-based): chr10:75,020,771, C>G. VCF-style: chr10-75020771-C-G. GRCh37 (hg19) VCF-style: chr10-76780529-C-G.
Other names: c.2270C>G, p.Thr757Ser (NM_001256468.2, NM_001370138.1); c.1943C>G, p.Thr648Ser (NM_001256469.2, NM_001370139.1, NM_001370140.1 and 2 more transcripts); c.1781C>G, p.Thr594Ser (NM_001370132.1); c.1130C>G, p.Thr377Ser (NM_001370133.1); c.734C>G, p.Thr245Ser (NM_001370134.1); c.476C>G, p.Thr159Ser (NM_001370135.1); c.2819C>G, p.Thr940Ser (NM_001370136.1, NM_001370137.1); c.1754C>G, p.Thr585Ser (NM_001370143.1, NM_001370144.1); short protein forms T377S, T585S, T940S, T159S, T594S, T757S, T245S, T648S.
Identifiers: ClinVar variation 4714093 (VCV004714093.1).

ClinVar aggregate classification (germline): Uncertain significance (1 of 4 stars; one submission).

Conditions:
Genitopatellar syndrome (GTPTS). Also called: ABSENT PATELLAE, SCROTAL HYPOPLASIA, RENAL ANOMALIES, FACIAL DYSMORPHISM, AND MENTAL RETARDATION; Genitopatellar syndrome (GPS). Identifiers: Orphanet 85201, MedGen C1853566, MONDO:0011640, OMIM 606170.

Submission:

Labcorp Genetics (formerly Invitae), Labcorp
Classification: Uncertain significance for Genitopatellar syndrome. Last evaluated: 2025-03-05. Review status: criteria provided, single submitter. Criteria: Invitae Variant Classification Sherloc (09022015). Collection method: clinical testing. Allele origin: germline.
Comment: This sequence change replaces threonine, which is neutral and polar, with serine, which is neutral and polar, at codon 940 of the KAT6B protein (p.Thr940Ser). This variant is not present in population databases (gnomAD no frequency). This variant has not been reported in the literature in individuals affected with KAT6B-related conditions. An algorithm developed to predict the effect of missense changes on protein structure and function (PolyPhen-2) suggests that this variant is likely to be tolerated. In summary, the available evidence is currently insufficient to determine the role of this variant in disease. Therefore, it has been classified as a Variant of Uncertain Significance.